The following is an entry in ClinVar:

NM_001395656.1(ROBO2):c.3328C>T (p.Pro1110Ser)

Gene: ROBO2 (roundabout guidance receptor 2; plus strand). Cytogenetic location: 3p12.3.
Variant type: single nucleotide variant.
Coding change: c.3328C>T on transcript NM_001395656.1 (MANE Select); coding-DNA position 3328, C replaced by T.
Protein change: p.Pro1110Ser; replaces proline 1110 with serine.
Molecular consequence: missense variant.
Genome position (GRCh38, 1-based): chr3:77,617,535, C>T. VCF-style: chr3-77617535-C-T. GRCh37 (hg19) VCF-style: chr3-77666686-C-T.
Other names: c.3364C>T, p.Pro1122Ser (NM_001128929.3); c.3328C>T, p.Pro1110Ser (NM_001290039.2, NM_001290040.2); c.1537C>T, p.Pro513Ser (NM_001290065.2); c.3376C>T, p.Pro1126Ser (NM_001378190.1, NM_001378200.1, NM_001378201.1 and 1 more transcripts); c.3502C>T, p.Pro1168Ser (NM_001378191.1, NM_001378195.1, NM_001378196.1); c.3397C>T, p.Pro1133Ser (NM_001378192.1, NM_001378198.1, NM_001378199.1); c.3316C>T, p.Pro1106Ser (NM_001378193.1, NM_002942.5); c.3514C>T, p.Pro1172Ser (NM_001378194.1); and 5 more; short protein forms P1107S, P1110S, P1148S, P1168S, P1172S, P513S, P1122S, P1126S.
Identifiers: ClinVar variation 903407 (VCV000903407.8), dbSNP rs139552984, ClinGen allele CA2497639.

ClinVar aggregate classification (germline): Conflicting classifications of pathogenicity. Review status: criteria provided, conflicting classifications (1 of 4 stars). 3 submissions from 3 submitters: Uncertain significance (1); Benign (1); Likely benign (1). Last evaluated 2024-08-29.

Conditions:
Vesicoureteral reflux 2 (VUR2). Identifiers: Orphanet 289365, MedGen C1970483, MONDO:0012573, OMIM 610878.

Allele frequency attached by ClinVar (database versions not stated): gnomAD exomes 0.00001 and 0.00005; gnomAD 0.00002 and 0.00005; TOPMed 0.00002; ExAC 0.00007; 1000 Genomes Project 0.00060; 1000 Genomes Project 30x 0.00078.
gnomAD v4.1: 26 of 1,614,084 alleles (0.0016%); highest among the groups gnomAD compares: East Asian, 0.051%; no homozygotes.

Submissions (3):

Labcorp Genetics (formerly Invitae), Labcorp
Classification: Likely benign. Last evaluated: 2024-08-29. Review status: criteria provided, single submitter. Criteria: Invitae Variant Classification Sherloc (09022015). Collection method: clinical testing. Allele origin: germline.

Fulgent Genetics
Classification: Uncertain significance for Vesicoureteral reflux 2. Last evaluated: 2024-01-25. Review status: criteria provided, single submitter. Criteria: ACMG Guidelines, 2015. Collection method: clinical testing. Allele origin: germline.

Illumina Laboratory Services, Illumina
Classification: Benign for Vesicoureteral reflux 2. Last evaluated: 2018-01-12. Review status: criteria provided, single submitter. Criteria: ICSL Variant Classification Criteria 13 December 2019. Collection method: clinical testing. Allele origin: germline.
Comment: This variant was observed in the ICSL laboratory as part of a predisposition screen in an ostensibly healthy population. It had not been previously curated by ICSL or reported in the Human Gene Mutation Database (HGMD: prior to June 1st, 2018), and was therefore a candidate for classification through an automated scoring system. Utilizing variant allele frequency, disease prevalence and penetrance estimates, and inheritance mode, an automated score was calculated to assess if this variant is too frequent to cause the disease. Based on the score and internal cut-off values, a variant classified as benign is not then subjected to further curation. The score for this variant resulted in a classification of benign for this disease.